The following is an entry in ClinVar:

ClinVar aggregate classification (germline): Pathogenic (1 of 4 stars; one submission).

Conditions:
Joubert syndrome. Also called: CEREBELLOPARENCHYMAL DISORDER IV; JOUBERT-BOLTSHAUSER SYNDROME; Familial aplasia of the vermis. Identifiers: Orphanet 475, MedGen C5979921, MONDO:0018772.
Meckel-Gruber syndrome. Also called: DYSENCEPHALIA SPLANCHNOCYSTICA; GRUBER SYNDROME; Dysencephalia splachnocystica. Identifiers: Orphanet 564, MedGen C0265215, MONDO:0018921.

Submission:

Labcorp Genetics (formerly Invitae), Labcorp
Classification: Pathogenic for Joubert syndrome; Meckel-Gruber syndrome. Last evaluated: 2024-02-19. Review status: criteria provided, single submitter. Criteria: Invitae Variant Classification Sherloc (09022015). Collection method: clinical testing. Allele origin: germline.
Comment: This sequence change creates a premature translational stop signal (p.Asp139Hisfs*2) in the TMEM67 gene. It is expected to result in an absent or disrupted protein product. Loss-of-function variants in TMEM67 are known to be pathogenic (PMID: 20232449, 23559409). This variant is present in population databases (rs777878274, gnomAD 0.003%). This premature translational stop signal has been observed in individual(s) with clinical features of TMEM67-related conditions (PMID: 26729329). For these reasons, this variant has been classified as Pathogenic.

Literature cited by the submitters: PubMed 20232449; PubMed 23559409; PubMed 26729329.

NM_153704.6(TMEM67):c.415_416del (p.Asp139fs)

Gene: TMEM67 (transmembrane protein 67; plus strand). Cytogenetic location: 8q22.1.
Variant type: Microsatellite.
Coding change: c.415_416del on transcript NM_153704.6 (MANE Select); coding-DNA positions 415 to 416, 2 bases deleted (GA; older notation c.415_416delGA).
Protein change: p.Asp139fs; shifts the reading frame from aspartic acid 139.
Molecular consequence: frameshift variant. On other transcripts: non-coding transcript variant (1).
Genome position (GRCh38, 1-based): chr8:93,763,850-93,763,851, GA deleted; deleting any 2 consecutive bases within chr8:93,763,847-93,763,851 gives the same sequence; the c. name uses the placement nearest the transcript's 3' end. VCF-style (leftmost placement, unchanged base first): chr8-93763846-AAG-A. GRCh37 (hg19) VCF-style: chr8-94776074-AAG-A.
Other names: c.172_173del, p.Asp58fs (NM_001142301.1); short protein forms D139fs, D58fs.
Identifiers: ClinVar variation 3759132 (VCV003759132.2).